The following is an entry in ClinVar:

NM_058216.3(RAD51C):c.229G>C (p.Gly77Arg)

Gene: RAD51C (RAD51 paralog C; plus strand). Cytogenetic location: 17q22.
Variant type: single nucleotide variant.
Coding change: c.229G>C on transcript NM_058216.3 (MANE Select); coding-DNA position 229, G replaced by C.
Protein change: p.Gly77Arg; replaces glycine 77 with arginine.
Molecular consequence: missense variant. On other transcripts: non-coding transcript variant (2).
Genome position (GRCh38, 1-based): chr17:58,695,014, G>C. VCF-style: chr17-58695014-G-C. GRCh37 (hg19) VCF-style: chr17-56772375-G-C.
Other names: c.229G>C, p.Gly77Arg (NM_002876.4); short protein forms G77R.
Identifiers: ClinVar variation 4149886 (VCV004149886.1).

ClinVar aggregate classification (germline): Uncertain significance (1 of 4 stars; one submission).

Conditions:
Hereditary cancer-predisposing syndrome. Also called: Hereditary neoplastic syndrome; Neoplastic Syndromes, Hereditary; Tumor predisposition; Hereditary Cancer Syndrome. Identifiers: Orphanet 140162, MedGen C0027672, MeSH D009386, MONDO:0015356.

Submission:

Ambry Genetics
Classification: Uncertain significance for Hereditary cancer-predisposing syndrome. Last evaluated: 2025-06-25. Review status: criteria provided, single submitter. Criteria: Ambry Variant Classification Scheme 2023. Collection method: clinical testing. Allele origin: germline.
Comment: The p.G77R variant (also known as c.229G>C), located in coding exon 2 of the RAD51C gene, results from a G to C substitution at nucleotide position 229. The glycine at codon 77 is replaced by arginine, an amino acid with dissimilar properties. This amino acid position is conserved. In addition, this alteration is predicted to be tolerated by in silico analysis. Based on the available evidence, the clinical significance of this variant remains unclear.